The following is an entry in ClinVar:

NM_030805.4(LMAN2L):c.373_374del (p.Leu125fs)

Gene: LMAN2L (lectin, mannose binding 2 like; minus strand). Cytogenetic location: 2q11.2.
Variant type: Deletion.
Coding change: c.373_374del on transcript NM_030805.4 (MANE Select); coding-DNA positions 373 to 374, 2 bases deleted (CT; older notation c.373_374delCT).
Protein change: p.Leu125fs; shifts the reading frame from leucine 125.
Molecular consequence: frameshift variant. On other transcripts: 5 prime UTR variant (3).
Genome position (GRCh38, 1-based): chr2:96,734,459-96,734,460, AG deleted on the plus strand (CT on the coding strand, the reverse complement: LMAN2L is on the minus strand); deleting any 2 consecutive bases within chr2:96,734,459-96,734,461 gives the same sequence; the c. name uses the placement nearest the transcript's 3' end. VCF-style (leftmost placement, unchanged base first): chr2-96734458-CAG-C. GRCh37 (hg19) VCF-style: chr2-97400195-CAG-C.
Other names: c.373_374del, p.Leu125fs (NM_001142292.2); c.21_22del, p.Ile7fs (NM_001322346.2, NM_001322351.2, NM_001322354.2 and 2 more transcripts); c.-42_-41del (NM_001322347.2, NM_001322350.2, NM_001322352.2); short protein forms I7fs, L125fs.
Identifiers: ClinVar variation 1343717 (VCV001343717.1), dbSNP rs2153336229, ClinGen allele CA2573052041.

ClinVar aggregate classification (germline): Uncertain significance (1 of 4 stars; one submission).

Submission:

Women's Health and Genetics/Laboratory Corporation of America, LabCorp
Classification: Uncertain significance. Last evaluated: 2022-02-04. Review status: criteria provided, single submitter. Criteria: LabCorp Variant Classification Summary - May 2015. Collection method: clinical testing. Allele origin: germline.
Comment: Variant summary: LMAN2L c.373_374delCT (p.Leu125AlafsX39) results in a premature termination codon, predicted to cause a truncation of the encoded protein or absence of the protein due to nonsense mediated decay. A truncation downstream of this position leading to extension of the protein (NM_001142292.1: c.1073delT, p.Phe358SerfsX16), was found to segregate with disease in multiple members of a family affected with intellectual disability with remitting epilepsy. Experimental evidence demonstrated p.Phe358SerfsX16 eliminates LMAN2Ls endoplasmic reticulum retention signal and mislocalizes the protein to the plasma membrane (PMID 31020005). Nevertheless, to our knowledge, no other truncations have been reported in the literature and the evidence currently available do not allow for definitive conclusions whether loss-of-function variants in LMAN2L gene cause disease. The variant was absent in 251486 control chromosomes (gnomAD). To our knowledge, no occurrence of c.373_374delCT in individuals affected with Mental Retardation, Autosomal Recessive 52 and no experimental evidence demonstrating its impact on protein function have been reported. No clinical diagnostic laboratories have submitted clinical-significance assessments for this variant to ClinVar after 2014. Based on the evidence outlined above, the variant was classified as uncertain significance, until additional evidence of clinical and/or functional importance becomes available.